The following is an entry in ClinVar:

NM_019844.4(SLCO1B3):c.562A>G (p.Ile188Val)

Genes: SLCO1B3 (solute carrier organic anion transporter family member 1B3; plus strand), SLCO1B3-SLCO1B7 (SLCO1B3-SLCO1B7 readthrough; plus strand). Cytogenetic location: 12p12.2.
Variant type: single nucleotide variant.
Coding change: c.562A>G on transcript NM_019844.4 (MANE Select); coding-DNA position 562, A replaced by G.
Protein change: p.Ile188Val; replaces isoleucine 188 with valine.
Molecular consequence: missense variant.
Genome position (GRCh38, 1-based): chr12:20,862,492, A>G. VCF-style: chr12-20862492-A-G. GRCh37 (hg19) VCF-style: chr12-21015426-A-G.
Other names: c.562A>G, p.Ile188Val (NM_001371097.1); c.478A>G, p.Ile160Val (NM_001349920.2); short protein forms I160V, I188V.
Identifiers: ClinVar variation 4988204 (VCV004988204.1).
Genomic context (GRCh38, chr12:20,862,492, plus strand): 5'-TCACACATGTGGATCTATGTCTTCATGGGGAATATGCTTCGTGGCATAGGGGAAACCCCC[A>G]TAGTACCATTGGGGATTTCATACATTGATGATTTTGCAAAAGAAGGACATTCTTCCTTGT-3'
Protein context (NP_062818.1, residues 178-198): NMLRGIGETP[Ile188Val]VPLGISYIDD

ClinVar aggregate classification (germline): Uncertain significance (1 of 4 stars; one submission).

Conditions:
SLCO1B3-related disorder. Also called: SLCO1B3-related condition.

Submission:

PreventionGenetics, part of Exact Sciences
Classification: Uncertain significance for SLCO1B3-related condition. Last evaluated: 2026-06-12. Review status: criteria provided, single submitter. Criteria: ACMG Guidelines, 2015. Collection method: clinical testing. Allele origin: germline.
Comment: The SLCO1B3 c.562A>G variant is predicted to result in the amino acid substitution p.Ile188Val. To our knowledge, this variant has not been reported in the literature or in a large population database (gnomAD), indicating this variant is rare. At this time, the clinical significance of this variant is uncertain due to the absence of conclusive functional and genetic evidence.